The following is an entry in ClinVar:

NM_012295.4(CABIN1):c.1809C>T (p.Arg603=)

Gene: CABIN1 (calcineurin binding protein 1; plus strand). Cytogenetic location: 22q11.23.
Variant type: single nucleotide variant.
Coding change: c.1809C>T on transcript NM_012295.4 (MANE Select); coding-DNA position 1809, C replaced by T.
Protein change: p.Arg603=; no amino-acid change (arginine 603 retained).
Molecular consequence: synonymous variant.
Genome position (GRCh38, 1-based): chr22:24,063,071, C>T. VCF-style: chr22-24063071-C-T. GRCh37 (hg19) VCF-style: chr22-24459534-C-T.
Other names: c.1809C>T, p.Arg603= (NM_001199281.1); c.1659C>T, p.Arg553= (NM_001201429.2).
Identifiers: ClinVar variation 3040007 (VCV003040007.2), dbSNP rs148993538, ClinGen allele CA10148710.
Genomic context (GRCh38, chr22:24,063,071, plus strand): 5'-CTTCCCAGGGACCCACTGCCTGGGTGACCTCCTACAGCTGTCATTTGCCTCGTCCCAGCG[C>T]GACCTGTTCGAGGATGGTTGGCTGGAGTTTGTGGTCCGTGTTTACTGGCTGAAGGCTCGC-3'
Protein context (NP_036427.1, residues 593-613): LLQLSFASSQ[Arg603=]DLFEDGWLEF

ClinVar aggregate classification (germline): Likely benign (0 of 4 stars; one submission).

Conditions:
CABIN1-related disorder. Also called: CABIN1-related condition.

Allele frequency attached by ClinVar (database versions not stated): ExAC 0.00003; TOPMed 0.00009; gnomAD 0.00013; ESP Exome Variant Server 0.00015.
gnomAD v4.1: 164 of 1,614,056 alleles (0.01%); highest among the groups gnomAD compares: African/African-American, 0.02%; no homozygotes.

Submission:

PreventionGenetics, part of Exact Sciences
Classification: Likely benign for CABIN1-related condition. Last evaluated: 2019-10-28. Review status: no assertion criteria provided. Collection method: clinical testing. Allele origin: germline.
Comment: This variant is classified as likely benign based on ACMG/AMP sequence variant interpretation guidelines (Richards et al. 2015 PMID: 25741868, with internal and published modifications).